The following is an entry in ClinVar:

NM_012310.5(KIF4A):c.2119-21C>A

Gene: KIF4A (kinesin family member 4A; plus strand). Cytogenetic location: Xq13.1.
Variant type: single nucleotide variant.
Coding change: c.2119-21C>A on transcript NM_012310.5 (MANE Select); 21 bases into the intron before coding-DNA position 2119, C replaced by A.
Molecular consequence: intron variant.
Genome position (GRCh38, 1-based): chrX:70,387,163, C>A. VCF-style: chrX-70387163-C-A. GRCh37 (hg19) VCF-style: chrX-69607013-C-A.
Identifiers: ClinVar variation 3771554 (VCV003771554.13).

ClinVar aggregate classification (germline): Likely benign (1 of 4 stars; one submission).

gnomAD v4.1: 29 of 1,027,954 alleles (0.0028%); highest among the groups gnomAD compares: Non-Finnish European, 0.0032%; no homozygotes.

Submission:

CeGaT Center for Human Genetics Tuebingen
Classification: Likely benign. Last evaluated: 2025-06-01. Review status: criteria provided, single submitter. Criteria: CeGaT Center For Human Genetics Tuebingen Variant Classification Criteria Version 2. Collection method: clinical testing. Allele origin: germline. Affected: yes. Observed: 2 variant alleles.
Comment: KIF4A: BS2